The following is an entry in ClinVar:

ClinVar aggregate classification (germline): Uncertain significance (1 of 4 stars; one submission).

Submission:

Ambry Genetics
Classification: Uncertain significance. Last evaluated: 2021-10-19. Review status: criteria provided, single submitter. Criteria: Ambry Variant Classification Scheme 2023. Collection method: clinical testing. Allele origin: germline.
Comment: The p.V459D variant (also known as c.1376T>A), located in coding exon 6 of the PALLD gene, results from a T to A substitution at nucleotide position 1376. The valine at codon 459 is replaced by aspartic acid, an amino acid with highly dissimilar properties. This amino acid position is conserved. In addition, this alteration is predicted to be deleterious by in silico analysis. Since supporting evidence is limited at this time, the clinical significance of this alteration remains unclear.

NM_001166108.2(PALLD):c.1376T>A (p.Val459Asp)

Gene: PALLD (palladin, cytoskeletal associated protein; plus strand). Cytogenetic location: 4q32.3.
Variant type: single nucleotide variant.
Coding change: c.1376T>A on transcript NM_001166108.2 (MANE Select); coding-DNA position 1376, T replaced by A.
Protein change: p.Val459Asp; replaces valine 459 with aspartic acid.
Molecular consequence: missense variant.
Genome position (GRCh38, 1-based): chr4:168,690,643, T>A. VCF-style: chr4-168690643-T-A. GRCh37 (hg19) VCF-style: chr4-169611794-T-A.
Other names: c.230T>A, p.Val77Asp (NM_001166109.2); c.1376T>A, p.Val459Asp (NM_016081.4); short protein forms V459D, V77D.
Identifiers: ClinVar variation 1771176 (VCV001771176.2), dbSNP rs1242422277, ClinGen allele CA358795469.